The following is an entry in ClinVar:

ClinVar aggregate classification (germline): Uncertain significance (0 of 4 stars; one submission).

Conditions:
GAPVD1-related disorder. Also called: GAPVD1-related condition.

Allele frequency attached by ClinVar (database versions not stated): gnomAD exomes below 0.00001.
gnomAD v4.1: 1 of 1,613,970 alleles (0.000062%); highest among the groups gnomAD compares: South Asian, 0.0011%; no homozygotes.

Submission:

PreventionGenetics, part of Exact Sciences
Classification: Uncertain significance for GAPVD1-related condition. Last evaluated: 2023-11-20. Review status: no assertion criteria provided. Collection method: clinical testing. Allele origin: germline.
Comment: The GAPVD1 c.335C>T variant is predicted to result in the amino acid substitution p.Ser112Phe. To our knowledge, this variant has not been reported in the literature. This variant is reported in 0.0033% of alleles in individuals of South Asian descent in gnomAD. At this time, the clinical significance of this variant is uncertain due to the absence of conclusive functional and genetic evidence.

NM_001282680.3(GAPVD1):c.335C>T (p.Ser112Phe)

Gene: GAPVD1 (GTPase activating protein and VPS9 domains 1; plus strand). Cytogenetic location: 9q33.3.
Variant type: single nucleotide variant.
Coding change: c.335C>T on transcript NM_001282680.3 (MANE Select); coding-DNA position 335, C replaced by T.
Protein change: p.Ser112Phe; replaces serine 112 with phenylalanine.
Molecular consequence: missense variant. On other transcripts: non-coding transcript variant (2).
Genome position (GRCh38, 1-based): chr9:125,302,132, C>T. VCF-style: chr9-125302132-C-T. GRCh37 (hg19) VCF-style: chr9-128064411-C-T.
Other names: c.335C>T, p.Ser112Phe (NM_001282679.2, NM_001282681.3, NM_001330777.3 and 11 more transcripts); short protein forms S112F.
Identifiers: ClinVar variation 3029008 (VCV003029008.2), dbSNP rs1288782523, ClinGen allele CA374907760.